The following is an entry in ClinVar:

GRCh37/hg19 Xp21.2(chrX:31458626-31479641)x0

Gene: DMD (dystrophin; minus strand). Cytogenetic location: Xp21.2.
Variant type: copy number loss.
Change: copy number 0 of chrX:31,458,626-31,479,641 (21.0 kb, GRCh37 coordinates, 1-based), cytogenetic band Xp21.2.
Identifiers: ClinVar variation 1807712 (VCV001807712.1).

ClinVar aggregate classification (germline): Pathogenic (1 of 4 stars; one submission).

Submission:

Quest Diagnostics Nichols Institute San Juan Capistrano
Classification: Pathogenic. Last evaluated: 2021-07-06. Review status: criteria provided, single submitter. Criteria: ACMG/ClinGen CNV Guidelines, 2019. Collection method: clinical testing. Allele origin: unknown.
Comment: The Xp21.2 deletion interval involves one exon of the DMD (dystrophin) gene (OMIM 300377). Dystrophinopathies including Becker Muscular Dystrophy (BMD) (OMIM 300376), Duchenne Muscular Dystrophy (DMD) (OMIM 310200), and DMD-Associated Dilated Cardiomyopathy (OMIM 302045) are X-linked recessive disorders caused by entire or intragenic DMD deletions and duplications as well as point mutations, primarily affecting the isoform expressed in the skeletal muscles. Age of onset and severity of progressive muscular weakness depend on the mutation characteristics (i.e., out- or in-frame in the case of exonic deletions or duplications). Manifesting carriers may demonstrate variable degrees of symptoms (mild, moderate, or severe muscular dystrophy) depending, in part, on patterns of X-chromosome inactivation. Carrier females might be at risk for dilated cardiomyopathy (DCM) (Darras BT et al., GeneReviews [Internet].